The following is an entry in ClinVar:

NM_032608.7(MYO18B):c.1988G>A (p.Gly663Asp)

Gene: MYO18B (myosin XVIIIB; plus strand). Cytogenetic location: 22q12.1.
Variant type: single nucleotide variant.
Coding change: c.1988G>A on transcript NM_032608.7 (MANE Select); coding-DNA position 1988, G replaced by A.
Protein change: p.Gly663Asp; replaces glycine 663 with aspartic acid.
Molecular consequence: missense variant.
Genome position (GRCh38, 1-based): chr22:25,777,701, G>A. VCF-style: chr22-25777701-G-A. GRCh37 (hg19) VCF-style: chr22-26173668-G-A.
Other names: c.1988G>A, p.Gly663Asp (NM_001318245.2); short protein forms G663D.
Identifiers: ClinVar variation 1479496 (VCV001479496.5), dbSNP rs2145639509, ClinGen allele CA410992860.

ClinVar aggregate classification (germline): Uncertain significance (1 of 4 stars; one submission).

Submission:

Labcorp Genetics (formerly Invitae), Labcorp
Classification: Uncertain significance. Last evaluated: 2024-05-15. Review status: criteria provided, single submitter. Criteria: Invitae Variant Classification Sherloc (09022015). Collection method: clinical testing. Allele origin: germline.
Comment: This sequence change replaces glycine with aspartic acid at codon 663 of the MYO18B protein (p.Gly663Asp). The glycine residue is highly conserved and there is a moderate physicochemical difference between glycine and aspartic acid. This variant is not present in population databases (gnomAD no frequency). This missense change has been observed in individual(s) with clinical features of MYO18B related conditions (PMID: 32668055). ClinVar contains an entry for this variant (Variation ID: 1479496). An algorithm developed to predict the effect of missense changes on protein structure and function (PolyPhen-2) suggests that this variant is likely to be disruptive. In summary, the available evidence is currently insufficient to determine the role of this variant in disease. Therefore, it has been classified as a Variant of Uncertain Significance.

Literature cited by the submitters: PubMed 32668055.